The following is an entry in ClinVar:

NC_000022.10:g.(?_18900668)_(18923820_?)dup

Genes: PRODH (proline dehydrogenase 1; minus strand), HSERVPRODH (human-specific endogenous retroviral insert PRODH enhancer; plus strand). Cytogenetic location: 22q11.21.
Variant type: Duplication.
Identifiers: ClinVar variation 583512 (VCV000583512.4).

ClinVar aggregate classification (germline): Uncertain significance (1 of 4 stars; one submission).

Conditions:
Proline dehydrogenase deficiency (HYRPRO1). Also called: Hyperprolinemia type 1; PROLINE OXIDASE DEFICIENCY. Identifiers: Orphanet 419, MedGen C0268529, MONDO:0009400, OMIM 239500.

Submission:

Labcorp Genetics (formerly Invitae), Labcorp
Classification: Uncertain significance for Proline dehydrogenase deficiency. Last evaluated: 2021-01-16. Review status: criteria provided, single submitter. Criteria: Invitae Variant Classification Sherloc (09022015). Collection method: clinical testing. Allele origin: germline.
Comment: A copy number gain of the genomic region encompassing the full coding sequence of the PRODH gene has been identified. The boundaries of this event are unknown as they extend beyond the assayed region for this gene and therefore may encompass additional genes. As the precise location of this event is unknown, it may be in tandem or it may be located elsewhere in the genome. This variant has not been reported in the literature in individuals with PRODH-related conditions. Experimental studies and prediction algorithms are not available or were not evaluated, and the functional significance of this variant is currently unknown. In summary, the available evidence is currently insufficient to determine the role of this variant in disease. Therefore, it has been classified as a Variant of Uncertain Significance.